The following is an entry in ClinVar:

NM_000944.5(PPP3CA):c.520G>A (p.Val174Ile)

Gene: PPP3CA (protein phosphatase 3 catalytic subunit alpha; minus strand). Cytogenetic location: 4q24.
Variant type: single nucleotide variant.
Coding change: c.520G>A on transcript NM_000944.5 (MANE Select); coding-DNA position 520, G replaced by A.
Protein change: p.Val174Ile; replaces valine 174 with isoleucine.
Molecular consequence: missense variant.
Genome position (GRCh38, 1-based): chr4:101,098,489, C>T on the plus strand (G>A on the coding strand, the complement: PPP3CA is on the minus strand). VCF-style: chr4-101098489-C-T. GRCh37 (hg19) VCF-style: chr4-102019646-C-T.
Other names: c.520G>A, p.Val174Ile (NM_001130691.2, NM_001130692.2); short protein forms V174I.
Identifiers: ClinVar variation 1476917 (VCV001476917.6), dbSNP rs765118167, ClinGen allele CA3024465.
Genomic context (GRCh38, chr4:101,098,489, plus strand): 5'-GTTGGTTCATCAGGGCAGCCAGGGGAAGGCAGTCAAAGGCATCCATACAGGCATCATATA[C>T]GCGTTCTGAATACTTTATTTTACCTTTTAGAAGTGATTAAAAGAATACTTATGATTTATA-3'
Protein context (NP_000935.1, residues 164-184): QECKIKYSER[Val174Ile]YDACMDAFDC

ClinVar aggregate classification (germline): Uncertain significance (1 of 4 stars; one submission).

Allele frequency attached by ClinVar (database versions not stated): gnomAD 0.00001; TOPMed 0.00002; gnomAD exomes 0.00006; ExAC 0.00007.
gnomAD v4.1: 40 of 1,608,648 alleles (0.0025%); highest among the groups gnomAD compares: Middle Eastern, 0.016%; 1 homozygote.

Submission:

Labcorp Genetics (formerly Invitae), Labcorp
Classification: Uncertain significance. Last evaluated: 2026-01-12. Review status: criteria provided, single submitter. Criteria: Invitae Variant Classification Sherloc (09022015). Collection method: clinical testing. Allele origin: germline.
Comment: This sequence change replaces valine, which is neutral and non-polar, with isoleucine, which is neutral and non-polar, at codon 174 of the PPP3CA protein (p.Val174Ile). This variant is present in population databases (rs765118167, gnomAD 0.03%). This variant has not been reported in the literature in individuals affected with PPP3CA-related conditions. ClinVar contains an entry for this variant (Variation ID: 1476917). Invitae Evidence Modeling of protein sequence and biophysical properties (such as structural, functional, and spatial information, amino acid conservation, physicochemical variation, residue mobility, and thermodynamic stability) indicates that this missense variant is not expected to disrupt PPP3CA protein function with a negative predictive value of 80%. In summary, the available evidence is currently insufficient to determine the role of this variant in disease. Therefore, it has been classified as a Variant of Uncertain Significance.